The following is an entry in ClinVar:

ClinVar aggregate classification (germline): Uncertain significance (0 of 4 stars; one submission).

Conditions:
DPP6-related disorder. Also called: DPP6-related condition.

Submission:

PreventionGenetics, part of Exact Sciences
Classification: Uncertain significance for DPP6-related condition. Last evaluated: 2024-03-25. Review status: no assertion criteria provided. Collection method: clinical testing. Allele origin: germline.
Comment: The DPP6 c.49_51+7del10 variant is predicted to result in a deletion affecting a canonical splice site. To our knowledge, this variant has not been reported in the literature. This variant is reported in 0.0018% of alleles in individuals of European (Non-Finnish) descent in gnomAD. At this time, the clinical significance of this variant is uncertain due to the absence of conclusive functional and genetic evidence.

NM_001364501.2(DPP6):c.49_51+7del

Gene: DPP6 (dipeptidyl peptidase like 6; plus strand). Cytogenetic location: 7q36.2.
Variant type: Deletion.
Coding change: c.49_51+7del on transcript NM_001364501.2; coding-DNA position 49 through 7 bases into the intron after coding-DNA position 51, 10 bases deleted (ATGGTGAGTG; older notation c.49_51+7delATGGTGAGTG).
Molecular consequence: splice donor variant. On other transcripts: intron variant (4).
Genome position (GRCh38, 1-based): chr7:153,887,732-153,887,741, ATGGTGAGTG deleted; deleting any 10 consecutive bases within chr7:153,887,729-153,887,741 gives the same sequence; the c. name uses the placement nearest the transcript's 3' end. VCF-style (leftmost placement, unchanged base first): chr7-153887728-CGTGATGGTGA-C. GRCh37 (hg19) VCF-style: chr7-153584813-CGTGATGGTGA-C.
Other names: c.60+138724_60+138733del (NM_001364500.2, NM_001364499.2, NM_001364497.2 and 1 more transcripts); c.49_51+7del (NM_001039350.3).
Identifiers: ClinVar variation 3351397 (VCV003351397.1).
Genomic context (GRCh38, chr7:153,887,728, plus strand): 5'-TCGGACTTGGGGCAAAATGAAGGAAAAGGCCATGATCAAGACCGCTAAGATGCAGGGGAA[CGTGATGGTGA>C]GTGCCACGGACAGGGCGCGCGCTGGGTCGGGGGGACCCACCGTGAGGAGCGATGCTGGGG-3'